The following is an entry in ClinVar:

ClinVar aggregate classification (germline): Likely benign (1 of 4 stars; one submission).

Conditions:
DZIP1L-related disorder. Also called: DZIP1L-related condition.

gnomAD v4.1: 104 of 1,610,982 alleles (0.0065%); highest among the groups gnomAD compares: Non-Finnish European, 0.0082%; no homozygotes.

Submission:

PreventionGenetics, part of Exact Sciences
Classification: Likely benign for DZIP1L-related condition. Last evaluated: 2026-01-29. Review status: criteria provided, single submitter. Criteria: ACMG Guidelines, 2015. Collection method: clinical testing. Allele origin: germline.
Comment: This variant is classified as likely benign based on ACMG/AMP sequence variant interpretation guidelines (Richards et al. 2015 PMID: 25741868, with internal and published modifications).

NM_173543.3(DZIP1L):c.441C>T (p.Arg147=)

Gene: DZIP1L (DAZ interacting zinc finger protein 1 like; minus strand). Cytogenetic location: 3q22.3.
Variant type: single nucleotide variant.
Coding change: c.441C>T on transcript NM_173543.3 (MANE Select); coding-DNA position 441, C replaced by T.
Protein change: p.Arg147=; no amino-acid change (arginine 147 retained).
Molecular consequence: synonymous variant.
Genome position (GRCh38, 1-based): chr3:138,103,531, G>A on the plus strand (C>T on the coding strand, the complement: DZIP1L is on the minus strand). VCF-style: chr3-138103531-G-A. GRCh37 (hg19) VCF-style: chr3-137822373-G-A.
Other names: c.441C>T, p.Arg147= (NM_001170538.1).
Identifiers: ClinVar variation 4978328 (VCV004978328.1).